The following is an entry in ClinVar:

ClinVar aggregate classification (germline): Uncertain significance. Review status: criteria provided, multiple submitters, no conflicts (2 of 4 stars). 6 submissions from 6 submitters: Uncertain significance (6). Last evaluated 2026-01-12.

Conditions:
Dystonia 5 (DRD). Also called: DYSTONIA, PROGRESSIVE, WITH DIURNAL VARIATION; DYSTONIA-PARKINSONISM WITH DIURNAL FLUCTUATION; GTP Cyclohydrolase 1-Deficient Dopa-Responsive Dystonia; Dystonia, DOPA-responsive, with or without hyperphenylalaninemia; DYT-GCH1. Identifiers: Orphanet 98808, MedGen C1851920, MONDO:0007495, OMIM 128230.
GTP cyclohydrolase I deficiency. Identifiers: MedGen C0268467, MONDO:0100184.

Allele frequency attached by ClinVar (database versions not stated): TOPMed 0.00001.

Submissions (6):

Labcorp Genetics (formerly Invitae), Labcorp
Classification: Uncertain significance for GTP cyclohydrolase I deficiency; Dystonia 5. Last evaluated: 2026-01-12. Review status: criteria provided, single submitter. Criteria: Invitae Variant Classification Sherloc (09022015). Collection method: clinical testing. Allele origin: germline.
Comment: This sequence change replaces arginine, which is basic and polar, with glutamine, which is neutral and polar, at codon 235 of the GCH1 protein (p.Arg235Gln). This variant is not present in population databases (gnomAD no frequency). This variant has not been reported in the literature in individuals affected with GCH1-related conditions. ClinVar contains an entry for this variant (Variation ID: 522866). Invitae Evidence Modeling of protein sequence and biophysical properties (such as structural, functional, and spatial information, amino acid conservation, physicochemical variation, residue mobility, and thermodynamic stability) indicates that this missense variant is not expected to disrupt GCH1 protein function with a negative predictive value of 80%. This variant disrupts the p.Arg235 amino acid residue in GCH1. Other variant(s) that disrupt this residue have been observed in individuals with GCH1-related conditions (PMID: 23660475, 34997870), which suggests that this may be a clinically significant amino acid residue. In summary, the available evidence is currently insufficient to determine the role of this variant in disease. Therefore, it has been classified as a Variant of Uncertain Significance.

Genomic Medicine Center of Excellence, King Faisal Specialist Hospital and Research Centre
Classification: Uncertain significance for Dystonia 5. Last evaluated: 2024-12-18. Review status: criteria provided, single submitter. Criteria: ACMG Guidelines, 2015. Collection method: clinical testing. Allele origin: germline.

Blueprint Genetics
Classification: Uncertain significance. Last evaluated: 2024-10-18. Review status: criteria provided, single submitter. Criteria: ACMG Guidelines, 2015. Collection method: clinical testing. Allele origin: germline.

GeneDx
Classification: Uncertain significance. Last evaluated: 2024-07-18. Review status: criteria provided, single submitter. Criteria: GeneDx Variant Classification Process June 2021. Collection method: clinical testing. Allele origin: germline. Affected: yes.
Comment: Not observed at significant frequency in large population cohorts (gnomAD); In silico analysis supports that this missense variant has a deleterious effect on protein structure/function; Has not been previously published as pathogenic or benign to our knowledge; This variant is associated with the following publications: (PMID: 33903016)

Institute of Human Genetics, University of Leipzig Medical Center
Classification: Uncertain significance for Dystonia 5. Last evaluated: 2020-09-10. Review status: criteria provided, single submitter. Criteria: ACMG Guidelines, 2015. Collection method: clinical testing. Allele origin: unknown. Affected: yes.
Comment: This variant was identified as homozygous.

Undiagnosed Diseases Network, NIH
Classification: Uncertain significance for Dystonia 5. Last evaluated: 2017-01-17. Review status: criteria provided, single submitter. Criteria: ACMG Guidelines, 2015. Collection method: clinical testing. Allele origin: inherited. Inheritance: Autosomal recessive inheritance. Affected: yes. Observed: 2 variant alleles, 2 homozygotes. Clinical features observed: Vaginal birth after Caesarian (HP:0030365), Upper limb spasticity (HP:0006986), Secondary Caesarian section (HP:0030364), Recurrent otitis media (HP:0000403), Poor gross motor coordination (HP:0007015), Obstructive sleep apnea syndrome (HP:0002870), Lower limb spasticity (HP:0002061), Jaundice (HP:0000952), Infantile axial hypotonia (HP:0009062), Inability to walk (HP:0002540), Global developmental delay (HP:0001263), Generalized muscle weakness (HP:0003324), and 4 more. Study: Undiagnosed Diseases Network (NIH), UDN.

Literature cited by the submitters: PubMed 23660475 (cited by Labcorp Genetics (formerly Invitae), Labcorp); PubMed 34997870 (cited by Labcorp Genetics (formerly Invitae), Labcorp).

NM_000161.3(GCH1):c.704G>A (p.Arg235Gln)

Gene: GCH1 (GTP cyclohydrolase 1; minus strand). Cytogenetic location: 14q22.2.
Variant type: single nucleotide variant.
Coding change: c.704G>A on transcript NM_000161.3 (MANE Select); coding-DNA position 704, G replaced by A.
Protein change: p.Arg235Gln; replaces arginine 235 with glutamine.
Molecular consequence: missense variant. On other transcripts: intron variant (2).
Genome position (GRCh38, 1-based): chr14:54,844,066, C>T on the plus strand (G>A on the coding strand, the complement: GCH1 is on the minus strand). VCF-style: chr14-54844066-C-T. GRCh37 (hg19) VCF-style: chr14-55310784-C-T.
Other names: c.704G>A, p.Arg235Gln (NM_001024024.2); c.627-1012G>A (NM_001024071.2); c.627-197G>A (NM_001024070.2); short protein forms R235Q.
Identifiers: ClinVar variation 522866 (VCV000522866.8), dbSNP rs1555358380, ClinGen allele CA389787018.